The following is an entry in ClinVar:

ClinVar aggregate classification (germline): Benign (1 of 4 stars; one submission).

Allele frequency attached by ClinVar (database versions not stated): gnomAD 0.53590 and 0.54675; TOPMed 0.53698; 1000 Genomes Project 30x 0.54547; 1000 Genomes Project 0.54834.
gnomAD v4.1: 59,920 of 109,386 alleles (55%); highest among the groups gnomAD compares: South Asian, 79%; 13,133 homozygotes.

Submission:

GeneDx
Classification: Benign. Last evaluated: 2018-06-14. Review status: criteria provided, single submitter. Criteria: GeneDx Variant Classification (06012015). Collection method: clinical testing. Allele origin: germline. Affected: yes.
Comment: This variant is considered likely benign or benign based on one or more of the following criteria: it is a conservative change, it occurs at a poorly conserved position in the protein, it is predicted to be benign by multiple in silico algorithms, and/or has population frequency not consistent with disease.

NM_004006.3(DMD):c.5923-179G>A

Gene: DMD (dystrophin; minus strand). Cytogenetic location: Xp21.1.
Variant type: single nucleotide variant.
Coding change: c.5923-179G>A on transcript NM_004006.3 (MANE Select); 179 bases into the intron before coding-DNA position 5923, G replaced by A.
Molecular consequence: intron variant.
Genome position (GRCh38, 1-based): chrX:32,310,455, C>T on the plus strand (G>A on the coding strand, the complement: DMD is on the minus strand). VCF-style: chrX-32310455-C-T. GRCh37 (hg19) VCF-style: chrX-32328572-C-T.
Other names: c.5899-179G>A (NM_000109.4); c.1900-179G>A (NM_004011.4); c.1891-179G>A (NM_004012.4); c.5911-179G>A (NM_004009.3); c.5554-179G>A (NM_004010.3).
Identifiers: ClinVar variation 672522 (VCV000672522.1), dbSNP rs6631543, ClinGen allele CA15045741.